The following is an entry in ClinVar:

NM_152743.4(BRAT1):c.250G>A (p.Ala84Thr)

Gene: BRAT1 (BRCA1 associated ATM activator 1; minus strand). Cytogenetic location: 7p22.3.
Variant type: single nucleotide variant.
Coding change: c.250G>A on transcript NM_152743.4 (MANE Select); coding-DNA position 250, G replaced by A.
Protein change: p.Ala84Thr; replaces alanine 84 with threonine.
Molecular consequence: missense variant. On other transcripts: 5 prime UTR variant (1), non-coding transcript variant (1).
Genome position (GRCh38, 1-based): chr7:2,547,356, C>T on the plus strand (G>A on the coding strand, the complement: BRAT1 is on the minus strand). VCF-style: chr7-2547356-C-T. GRCh37 (hg19) VCF-style: chr7-2586990-C-T.
Other names: c.250G>A, p.Ala84Thr (NM_001350626.2); c.-128G>A (NM_001350627.2); short protein forms A84T.
Identifiers: ClinVar variation 3370754 (VCV003370754.1).

ClinVar aggregate classification (germline): Uncertain significance (1 of 4 stars; one submission).

gnomAD v4.1: 29 of 1,613,956 alleles (0.0018%); highest among the groups gnomAD compares: Admixed American, 0.038%; no homozygotes.

Submission:

GeneDx
Classification: Uncertain significance. Last evaluated: 2024-03-15. Review status: criteria provided, single submitter. Criteria: GeneDx Variant Classification Process June 2021. Collection method: clinical testing. Allele origin: germline. Affected: yes.
Comment: In silico analysis supports that this missense variant does not alter protein structure/function; Has not been previously published as pathogenic or benign to our knowledge